The following is an entry in ClinVar:

NM_001846.4(COL4A2):c.2921G>A (p.Gly974Glu)

Gene: COL4A2 (collagen type IV alpha 2 chain; plus strand). Cytogenetic location: 13q34.
Variant type: single nucleotide variant.
Coding change: c.2921G>A on transcript NM_001846.4 (MANE Select); coding-DNA position 2921, G replaced by A.
Protein change: p.Gly974Glu; replaces glycine 974 with glutamic acid.
Molecular consequence: missense variant.
Genome position (GRCh38, 1-based): chr13:110,484,923, G>A. VCF-style: chr13-110484923-G-A. GRCh37 (hg19) VCF-style: chr13-111137270-G-A.
Other names: short protein forms G974E.
Identifiers: ClinVar variation 2791351 (VCV002791351.3), dbSNP rs1793643757, ClinGen allele CA388728290.

ClinVar aggregate classification (germline): Uncertain significance (1 of 4 stars; one submission).

Allele frequency attached by ClinVar (database versions not stated): gnomAD 0.00001.
gnomAD v4.1: 1 of 1,611,418 alleles (0.000062%); highest among the groups gnomAD compares: African/African-American, 0.0013%; no homozygotes.

Submission:

Labcorp Genetics (formerly Invitae), Labcorp
Classification: Uncertain significance. Last evaluated: 2024-10-13. Review status: criteria provided, single submitter. Criteria: Invitae Variant Classification Sherloc (09022015). Collection method: clinical testing. Allele origin: germline.
Comment: This sequence change replaces glycine, which is neutral and non-polar, with glutamic acid, which is acidic and polar, at codon 974 of the COL4A2 protein (p.Gly974Glu). This variant is not present in population databases (gnomAD no frequency). This variant has not been reported in the literature in individuals affected with COL4A2-related conditions. Invitae Evidence Modeling of protein sequence and biophysical properties (such as structural, functional, and spatial information, amino acid conservation, physicochemical variation, residue mobility, and thermodynamic stability) has been performed for this missense variant. However, the output from this modeling did not meet the statistical confidence thresholds required to predict the impact of this variant on COL4A2 protein function. In summary, the available evidence is currently insufficient to determine the role of this variant in disease. Therefore, it has been classified as a Variant of Uncertain Significance.